The following is an entry in ClinVar:

NC_000022.10:g.(?_18900688)_(20052185_?)dup

Genes: CLDN5 (claudin 5; minus strand), CLTCL1 (clathrin heavy chain like 1; minus strand), COMT (catechol-O-methyltransferase; plus strand), DGCR2 (DiGeorge syndrome critical region gene 2; minus strand), ESS2 (ess-2 splicing factor homolog; minus strand) and 17 more. Cytogenetic location: 22q11.21.
Variant type: Duplication.
Identifiers: ClinVar variation 830625 (VCV000830625.2).

ClinVar aggregate classification (germline): Uncertain significance (1 of 4 stars; one submission).

Submission:

Labcorp Genetics (formerly Invitae), Labcorp
Classification: Uncertain significance. Last evaluated: 2021-11-27. Review status: criteria provided, single submitter. Criteria: Invitae Variant Classification Sherloc (09022015). Collection method: clinical testing. Allele origin: germline.
Comment: A copy number gain of the genomic region encompassing the full coding sequence of the TANGO2 gene has been identified. The boundaries of this event are unknown as they extend beyond the assayed region for this gene and therefore may encompass additional genes. As the precise location of this event is unknown, it may be in tandem or it may be located elsewhere in the genome. This variant has not been reported in the literature in individuals affected with TANGO2-related conditions. In summary, the available evidence is currently insufficient to determine the role of this variant in disease. Therefore, it has been classified as a Variant of Uncertain Significance.